The following is an entry in ClinVar:

ClinVar aggregate classification (germline): Uncertain significance. Review status: criteria provided, multiple submitters, no conflicts (2 of 4 stars). 2 submissions from 2 submitters: Uncertain significance (2). Last evaluated 2019-11-07.

Conditions:
Andersen Tawil syndrome (LQT7). Also called: ANDERSEN CARDIODYSRHYTHMIC PERIODIC PARALYSIS; LONG QT SYNDROME 7; Potassium-sensitive periodic paralysis, ventricular ectopy, and dysmorphic features; PERIODIC PARALYSIS, POTASSIUM-SENSITIVE CARDIODYSRHYTHMIC TYPE; Andersen Syndrome. Identifiers: Orphanet 37553, MedGen C1563715, MONDO:0008222, OMIM 170390.
Short QT syndrome type 3. Identifiers: Orphanet 51083, MedGen C1865018, MONDO:0012314, OMIM 609622.

Submissions (2):

Labcorp Genetics (formerly Invitae), Labcorp
Classification: Uncertain significance for Short QT syndrome type 3; Andersen Tawil syndrome. Last evaluated: 2019-11-07. Review status: criteria provided, single submitter. Criteria: Invitae Variant Classification Sherloc (09022015). Collection method: clinical testing. Allele origin: germline.
Comment: This variant has not been reported in the literature in individuals with KCNJ2-related conditions. ClinVar contains an entry for this variant (Variation ID: 447638). Algorithms developed to predict the effect of missense changes on protein structure and function (SIFT, PolyPhen-2, Align-GVGD) all suggest that this variant is likely to be disruptive, but these predictions have not been confirmed by published functional studies and their clinical significance is uncertain. In summary, the available evidence is currently insufficient to determine the role of this variant in disease. Therefore, it has been classified as a Variant of Uncertain Significance. This variant is not present in population databases (ExAC no frequency). This sequence change replaces leucine with histidine at codon 193 of the KCNJ2 protein (p.Leu193His). The leucine residue is highly conserved and there is a moderate physicochemical difference between leucine and histidine.

Athena Diagnostics
Classification: Uncertain significance. Last evaluated: 2017-07-21. Review status: criteria provided, single submitter. Criteria: Athena Diagnostics Criteria. Collection method: clinical testing. Allele origin: germline.

NM_000891.3(KCNJ2):c.578T>A (p.Leu193His)

Gene: KCNJ2 (potassium inwardly rectifying channel subfamily J member 2; plus strand). Cytogenetic location: 17q24.3.
Variant type: single nucleotide variant.
Coding change: c.578T>A on transcript NM_000891.3 (MANE Select); coding-DNA position 578, T replaced by A.
Protein change: p.Leu193His; replaces leucine 193 with histidine.
Molecular consequence: missense variant.
Genome position (GRCh38, 1-based): chr17:70,175,617, T>A. VCF-style: chr17-70175617-T-A. GRCh37 (hg19) VCF-style: chr17-68171758-T-A.
Other names: short protein forms L193H.
Identifiers: ClinVar variation 447638 (VCV000447638.11), dbSNP rs1555603955, ClinGen allele CA400861091.